The following is an entry in ClinVar:

ClinVar aggregate classification (germline): Pathogenic. Review status: criteria provided, multiple submitters, no conflicts (2 of 4 stars). 5 submissions from 5 submitters: Pathogenic (4). 1 of the submissions does not count toward it. Last evaluated 2025-10-24.

Conditions:
TBK1-related disorder. Also called: TBK1-related condition.
Frontotemporal dementia and/or amyotrophic lateral sclerosis 4. Also called: FTDALS4. Identifiers: Orphanet 275872, MedGen C4225325, MONDO:0014641, OMIM 616439.

Submissions (5):

Women's Health and Genetics/Laboratory Corporation of America, LabCorp
Classification: Pathogenic for Frontotemporal dementia and/or amyotrophic lateral sclerosis 4. Last evaluated: 2025-10-24. Review status: criteria provided, single submitter. Criteria: LabCorp Variant Classification Summary - May 2015. Collection method: clinical testing. Allele origin: germline.
Comment: Variant summary: TBK1 c.1349_1352delTTAA (p.Ile450LysfsX15) results in a premature termination codon, predicted to cause a truncation of the encoded protein or absence of the protein due to nonsense mediated decay, which are commonly known mechanisms for disease. The variant allele was found at a frequency of 5e-06 in 198036 control chromosomes. c.1349_1352delTTAA has been observed in individual(s) affected with Frontotemporal dementia and/or amyotrophic lateral sclerosis (example: Freischmidt_2015). These data indicate that the variant may be associated with disease. At least one publication reports experimental evidence that this variant impacts protein expression (Freischmidt_2015). The following publication has been ascertained in the context of this evaluation (PMID: 25803835). ClinVar contains an entry for this variant (Variation ID: 203435). Based on the evidence outlined above, the variant was classified as pathogenic.

Blueprint Genetics
Classification: Pathogenic for TBK1-related disorders. Last evaluated: 2024-08-14. Review status: criteria provided, single submitter. Criteria: ACMG Guidelines, 2015. Collection method: clinical testing. Allele origin: germline. Affected: yes. Observed: 1 variant allele.

Labcorp Genetics (formerly Invitae), Labcorp
Classification: Pathogenic for Frontotemporal dementia and/or amyotrophic lateral sclerosis 4. Last evaluated: 2024-02-23. Review status: criteria provided, single submitter. Criteria: Invitae Variant Classification Sherloc (09022015). Collection method: clinical testing. Allele origin: germline.
Comment: This sequence change creates a premature translational stop signal (p.Ile450Lysfs*15) in the TBK1 gene. It is expected to result in an absent or disrupted protein product. Loss-of-function variants in TBK1 are known to be pathogenic (PMID: 25803835, 26476236, 26581300). This variant is present in population databases (no rsID available, gnomAD 0.001%). This premature translational stop signal has been observed in individual(s) with amyotrophic lateral sclerosis (PMID: 25803835). It has also been observed to segregate with disease in related individuals. ClinVar contains an entry for this variant (Variation ID: 203435). For these reasons, this variant has been classified as Pathogenic.

MGZ Medical Genetics Center
Classification: Pathogenic for Frontotemporal dementia and/or amyotrophic lateral sclerosis 4. Last evaluated: 2022-02-02. Review status: criteria provided, single submitter. Criteria: ACMG Guidelines, 2015. Collection method: clinical testing. Allele origin: germline. Affected: yes. Observed: 1 variant allele.
Comment: ACMG criteria applied: PVS1, PS4_MOD, PM2_SUP

OMIM
Classification: Pathogenic for FRONTOTEMPORAL DEMENTIA AND/OR AMYOTROPHIC LATERAL SCLEROSIS 4. Last evaluated: 2015-05-01. Review status: no assertion criteria provided. Collection method: literature only. Allele origin: germline. Not counted in ClinVar's aggregate classification.

Literature cited by the submitters: PubMed 25803835 (cited by 3 submitters); PubMed 26476236 (cited by Labcorp Genetics (formerly Invitae), Labcorp); PubMed 26581300 (cited by Labcorp Genetics (formerly Invitae), Labcorp).

NM_013254.4(TBK1):c.1349_1352del (p.Ile450fs)

Gene: TBK1 (TANK binding kinase 1; plus strand). Cytogenetic location: 12q14.2.
Variant type: Microsatellite.
Coding change: c.1349_1352del on transcript NM_013254.4 (MANE Select); coding-DNA positions 1349 to 1352, 4 bases deleted (TTAA; older notation c.1349_1352delTTAA).
Protein change: p.Ile450fs; shifts the reading frame from isoleucine 450.
Molecular consequence: frameshift variant.
Genome position (GRCh38, 1-based): chr12:64,488,495-64,488,498, TTAA deleted; deleting any 4 consecutive bases within chr12:64,488,489-64,488,498 gives the same sequence; the c. name uses the placement nearest the transcript's 3' end. VCF-style (leftmost placement, unchanged base first): chr12-64488488-GAATT-G. GRCh37 (hg19) VCF-style: chr12-64882268-GAATT-G.
Other names: c.1349_1352delTTAA (NM_013254.4); short protein forms I450fs.
Identifiers: ClinVar variation 203435 (VCV000203435.10), dbSNP rs876657404, ClinGen allele CA10575726.